The following is an entry in ClinVar:

ClinVar aggregate classification (germline): Uncertain significance (1 of 4 stars; one submission).

Conditions:
Alstrom syndrome (ALMS). Identifiers: Orphanet 64, MedGen C0268425, MONDO:0008763, OMIM 203800.

Submission:

Labcorp Genetics (formerly Invitae), Labcorp
Classification: Uncertain significance for Alstrom syndrome. Last evaluated: 2024-07-06. Review status: criteria provided, single submitter. Criteria: Invitae Variant Classification Sherloc (09022015). Collection method: clinical testing. Allele origin: germline.
Comment: This sequence change replaces glutamine, which is neutral and polar, with leucine, which is neutral and non-polar, at codon 1384 of the ALMS1 protein (p.Gln1384Leu). This variant is not present in population databases (gnomAD no frequency). This variant has not been reported in the literature in individuals affected with ALMS1-related conditions. Experimental studies and prediction algorithms are not available or were not evaluated, and the functional significance of this variant is currently unknown. In summary, the available evidence is currently insufficient to determine the role of this variant in disease. Therefore, it has been classified as a Variant of Uncertain Significance.

NM_001378454.1(ALMS1):c.4148A>T (p.Gln1383Leu)

Gene: ALMS1 (ALMS1 centrosome and basal body associated protein; plus strand). Cytogenetic location: 2p13.1.
Variant type: single nucleotide variant.
Coding change: c.4148A>T on transcript NM_001378454.1 (MANE Select); coding-DNA position 4148, A replaced by T.
Protein change: p.Gln1383Leu; replaces glutamine 1383 with leucine.
Molecular consequence: missense variant.
Genome position (GRCh38, 1-based): chr2:73,450,675, A>T. VCF-style: chr2-73450675-A-T. GRCh37 (hg19) VCF-style: chr2-73677802-A-T.
Other names: c.4151A>T, p.Gln1384Leu (NM_015120.4); short protein forms Q1383L, Q1384L.
Identifiers: ClinVar variation 3709937 (VCV003709937.2).
Genomic context (GRCh38, chr2:73,450,675, plus strand): 5'-CCTCTGAACCAGTTGACCAGACAACTGGCACACCAACTGTAACCTCTACTTCTTACTCAC[A>T]ACATACAGAGAAGCCGAGTATTTTCTACCAACAGTCGTTGCCAGGTAGTCATCTAACTGA-3'
Protein context (NP_001365383.1, residues 1373-1393): TPTVTSTSYS[Gln1383Leu]HTEKPSIFYQ